The following is an entry in ClinVar:

ClinVar aggregate classification (germline): Uncertain significance. Review status: criteria provided, multiple submitters, no conflicts (2 of 4 stars). 2 submissions from 2 submitters: Uncertain significance (2). Last evaluated 2021-01-31.

Conditions:
Diamond-Blackfan anemia. Also called: Blackfan Diamond syndrome; Aregenerative anemia chronic congenital; Red cell aplasia, pure hereditary; Congenital hypoplastic anemia; Aase syndrome. Identifiers: Orphanet 124, MedGen C1260899, MeSH D029503, MONDO:0015253, HP:0004810.

Submissions (2):

Labcorp Genetics (formerly Invitae), Labcorp
Classification: Uncertain significance for Diamond-Blackfan anemia. Last evaluated: 2021-01-31. Review status: criteria provided, single submitter. Criteria: Invitae Variant Classification Sherloc (09022015). Collection method: clinical testing. Allele origin: germline.
Comment: In summary, the available evidence is currently insufficient to determine the role of this variant in disease. Therefore, it has been classified as a Variant of Uncertain Significance. Algorithms developed to predict the effect of missense changes on protein structure and function (SIFT, PolyPhen-2, Align-GVGD) all suggest that this variant is likely to be disruptive, but these predictions have not been confirmed by published functional studies and their clinical significance is uncertain. This variant has not been reported in the literature in individuals with RPS19-related conditions. ClinVar contains an entry for this variant (Variation ID: 429531). This variant is not present in population databases (ExAC no frequency). This sequence change replaces valine with aspartic acid at codon 103 of the RPS19 protein (p.Val103Asp). The valine residue is highly conserved and there is a large physicochemical difference between valine and aspartic acid.

GeneDx
Classification: Uncertain significance. Last evaluated: 2017-05-09. Review status: criteria provided, single submitter. Criteria: GeneDx Variant Classification (06012015). Collection method: clinical testing. Allele origin: germline. Affected: yes.
Comment: The V103D variant has not been published as a pathogenic variant, nor has it been reported as a benign variant to our knowledge. The variant is not observed in large population cohorts (Lek et al., 2016; 1000 Genomes Consortium et al., 2015; Exome Variant Server). V103D is a non-conservative amino acid substitution, which is likely to impact secondary protein structure as these residues differ in polarity, charge, size and/or other properties. This substitution occurs at a position that is conserved across species, and in silico analysis predicts this variant is probably damaging to the protein structure/function. In summary, based on the currently available information, it is unclear whether this variant is a pathogenic variant or a rare benign variant.

NM_001022.4(RPS19):c.308T>A (p.Val103Asp)

Genes: RPS19 (ribosomal protein S19; plus strand), RPS19-CD79A (RPS19-CD79A readthrough; plus strand). Cytogenetic location: 19q13.2.
Variant type: single nucleotide variant.
Coding change: c.308T>A on transcript NM_001022.4 (MANE Select); coding-DNA position 308, T replaced by A.
Protein change: p.Val103Asp; replaces valine 103 with aspartic acid.
Molecular consequence: missense variant. On other transcripts: synonymous variant (1).
Genome position (GRCh38, 1-based): chr19:41,869,166, T>A. VCF-style: chr19-41869166-T-A. GRCh37 (hg19) VCF-style: chr19-42373236-T-A.
Other names: c.308T>A, p.Val103Asp (NM_001321483.2, NM_001321484.2); c.321T>A, p.Gly107= (NM_001321485.2); short protein forms V103D.
Identifiers: ClinVar variation 429531 (VCV000429531.11), dbSNP rs1131691437, ClinGen allele CA406030513.